The following is an entry in ClinVar:

NM_001320752.2(STS):c.1549C>T (p.Arg517Trp)

Gene: STS (steroid sulfatase; plus strand). Cytogenetic location: Xp22.31.
Variant type: single nucleotide variant.
Coding change: c.1549C>T on transcript NM_001320752.2 (MANE Select); coding-DNA position 1549, C replaced by T.
Protein change: p.Arg517Trp; replaces arginine 517 with tryptophan.
Molecular consequence: missense variant.
Genome position (GRCh38, 1-based): chrX:7,350,073, C>T. VCF-style: chrX-7350073-C-T. GRCh37 (hg19) VCF-style: chrX-7268114-C-T.
Other names: c.1549C>T, p.Arg517Trp (NM_000351.7, NM_001320753.2, NM_001320754.2); c.1585C>T, p.Arg529Trp (NM_001320750.3, NM_001320751.2); short protein forms R517W, R529W.
Identifiers: ClinVar variation 772035 (VCV000772035.8), dbSNP rs138646436, ClinGen allele CA10342213.

ClinVar aggregate classification (germline): Conflicting classifications of pathogenicity. Review status: criteria provided, conflicting classifications (1 of 4 stars). 3 submissions from 3 submitters: Uncertain significance (1); Benign (2). Last evaluated 2025-02-05.

Conditions:
Inborn genetic diseases. Identifiers: MedGen C0950123, MeSH D030342.

Allele frequency attached by ClinVar (database versions not stated): gnomAD exomes 0.00005 and 0.00010; ExAC 0.00015; ESP Exome Variant Server 0.00038; gnomAD 0.00039; TOPMed 0.00045; 1000 Genomes Project 30x 0.00062; 1000 Genomes Project 0.00079.
gnomAD v4.1: 102 of 1,210,392 alleles (0.0084%); highest among the groups gnomAD compares: African/African-American, 0.11%; 1 homozygote.

Submissions (3):

Ambry Genetics
Classification: Uncertain significance for Inborn genetic diseases. Last evaluated: 2025-02-05. Review status: criteria provided, single submitter. Criteria: Ambry Variant Classification Scheme 2023. Collection method: clinical testing. Allele origin: germline.

GeneDx
Classification: Benign. Last evaluated: 2021-03-11. Review status: criteria provided, single submitter. Criteria: GeneDx Variant Classification Process June 2021. Collection method: clinical testing. Allele origin: germline. Affected: yes.
Comment: In silico analysis supports that this missense variant has a deleterious effect on protein structure/function; Has not been previously published as pathogenic or benign to our knowledge

Labcorp Genetics (formerly Invitae), Labcorp
Classification: Benign. Last evaluated: 2018-12-28. Review status: criteria provided, single submitter. Criteria: Invitae Variant Classification Sherloc (09022015). Collection method: clinical testing. Allele origin: germline.